The following is an entry in ClinVar:

NM_001384900.1(SEMA3D):c.669T>C (p.His223=)

Gene: SEMA3D (semaphorin 3D; minus strand). Cytogenetic location: 7q21.11.
Variant type: single nucleotide variant.
Coding change: c.669T>C on transcript NM_001384900.1 (MANE Select); coding-DNA position 669, T replaced by C.
Protein change: p.His223=; no amino-acid change (histidine 223 retained).
Molecular consequence: synonymous variant.
Genome position (GRCh38, 1-based): chr7:85,065,473, A>G on the plus strand (T>C on the coding strand, the complement: SEMA3D is on the minus strand). VCF-style: chr7-85065473-A-G. GRCh37 (hg19) VCF-style: chr7-84694789-A-G.
Other names: c.669T>C, p.His223= (NM_001384901.1, NM_001384902.1, NM_001384903.1 and 1 more transcripts).
Identifiers: ClinVar variation 3357764 (VCV003357764.1).

ClinVar aggregate classification (germline): Likely benign (0 of 4 stars; one submission).

Conditions:
SEMA3D-related disorder. Also called: SEMA3D-related condition.

Submission:

PreventionGenetics, part of Exact Sciences
Classification: Likely benign for SEMA3D-related condition. Last evaluated: 2024-08-08. Review status: no assertion criteria provided. Collection method: clinical testing. Allele origin: germline.
Comment: This variant is classified as likely benign based on ACMG/AMP sequence variant interpretation guidelines (Richards et al. 2015 PMID: 25741868, with internal and published modifications).